The following is an entry in ClinVar:

NM_001282225.2(ADA2):c.746T>G (p.Leu249Arg)

Gene: ADA2 (adenosine deaminase 2; minus strand). Cytogenetic location: 22q11.1.
Variant type: single nucleotide variant.
Coding change: c.746T>G on transcript NM_001282225.2 (MANE Select); coding-DNA position 746, T replaced by G.
Protein change: p.Leu249Arg; replaces leucine 249 with arginine.
Molecular consequence: missense variant.
Genome position (GRCh38, 1-based): chr22:17,203,570, A>C on the plus strand (T>G on the coding strand, the complement: ADA2 is on the minus strand). VCF-style: chr22-17203570-A-C. GRCh37 (hg19) VCF-style: chr22-17684460-A-C.
Other names: c.746T>G, p.Leu249Arg (NM_001282226.2); c.620T>G, p.Leu207Arg (NM_001282227.2, NM_001282228.2); c.386T>G, p.Leu129Arg (NM_001282229.2); short protein forms L129R, L207R, L249R.
Identifiers: ClinVar variation 1440032 (VCV001440032.6), dbSNP rs757520466, ClinGen allele CA10088144.

ClinVar aggregate classification (germline): Uncertain significance (1 of 4 stars; one submission).

Conditions:
Deficiency of adenosine deaminase 2. Also called: Polyarteritis nodosa, childhoood-onset; Adenosine Deaminase 2 Deficiency; VASCULITIS, AUTOINFLAMMATION, IMMUNODEFICIENCY, AND HEMATOLOGIC DEFECTS SYNDROME. Identifiers: Orphanet 404553, MedGen C3887654, MONDO:0014306, OMIM 615688, MONDO:0100317.

gnomAD v4.1: 5 of 1,611,894 alleles (0.00031%); highest among the groups gnomAD compares: South Asian, 0.0055%; no homozygotes.

Submission:

Labcorp Genetics (formerly Invitae), Labcorp
Classification: Uncertain significance for Deficiency of adenosine deaminase 2. Last evaluated: 2022-06-27. Review status: criteria provided, single submitter. Criteria: Invitae Variant Classification Sherloc (09022015). Collection method: clinical testing. Allele origin: germline.
Comment: This variant is present in population databases (rs757520466, gnomAD 0.006%). This sequence change replaces leucine, which is neutral and non-polar, with arginine, which is basic and polar, at codon 249 of the ADA2 protein (p.Leu249Arg). This variant has not been reported in the literature in individuals affected with ADA2-related conditions. Algorithms developed to predict the effect of missense changes on protein structure and function are either unavailable or do not agree on the potential impact of this missense change (SIFT: "Deleterious"; PolyPhen-2: "Probably Damaging"; Align-GVGD: "Class C0"). In summary, the available evidence is currently insufficient to determine the role of this variant in disease. Therefore, it has been classified as a Variant of Uncertain Significance.